The following is an entry in ClinVar:

ClinVar aggregate classification (germline): Uncertain significance (1 of 4 stars; one submission).

Conditions:
Cowden syndrome (CS). Also called: Cowden's disease; Cowden's syndrome; Cowden disease. Identifiers: Orphanet 201, MedGen C0018553, MONDO:0016063. Disease mechanism: gain of function.

Submission:

Labcorp Genetics (formerly Invitae), Labcorp
Classification: Uncertain significance for Cowden syndrome. Last evaluated: 2021-01-18. Review status: criteria provided, single submitter. Criteria: Invitae Variant Classification Sherloc (09022015). Collection method: clinical testing. Allele origin: germline.
Comment: This sequence change replaces lysine with glutamic acid at codon 187 of the PIK3CA protein (p.Lys187Glu). The lysine residue is highly conserved and there is a small physicochemical difference between lysine and glutamic acid. In summary, the available evidence is currently insufficient to determine the role of this variant in disease. Therefore, it has been classified as a Variant of Uncertain Significance. Algorithms developed to predict the effect of missense changes on protein structure and function are either unavailable or do not agree on the potential impact of this missense change (SIFT: "Deleterious"; PolyPhen-2: "Possibly Damaging"; Align-GVGD: "Class C0"). This variant has not been reported in the literature in individuals with PIK3CA-related disease. This variant is not present in population databases (ExAC no frequency).

NM_006218.4(PIK3CA):c.559A>G (p.Lys187Glu)

Gene: PIK3CA (phosphatidylinositol-4,5-bisphosphate 3-kinase catalytic subunit alpha; plus strand). Cytogenetic location: 3q26.32.
Variant type: single nucleotide variant.
Coding change: c.559A>G on transcript NM_006218.4 (MANE Select); coding-DNA position 559, A replaced by G.
Protein change: p.Lys187Glu; replaces lysine 187 with glutamic acid.
Molecular consequence: missense variant.
Genome position (GRCh38, 1-based): chr3:179,199,896, A>G. VCF-style: chr3-179199896-A-G. GRCh37 (hg19) VCF-style: chr3-178917684-A-G.
Other names: c.559A>G (LRG_310t1); short protein forms K187E.
Identifiers: ClinVar variation 640302 (VCV000640302.9), dbSNP rs1576932528, ClinGen allele CA355275065.